The following is an entry in ClinVar:

ClinVar aggregate classification (germline): Uncertain significance (1 of 4 stars; one submission).

Submission:

CeGaT Center for Human Genetics Tuebingen
Classification: Uncertain significance. Last evaluated: 2024-11-01. Review status: criteria provided, single submitter. Criteria: CeGaT Center For Human Genetics Tuebingen Variant Classification Criteria Version 2. Collection method: clinical testing. Allele origin: germline. Affected: yes. Observed: 1 variant allele.
Comment: PLEC: PM2

NM_201384.3(PLEC):c.13291T>C (p.Tyr4431His)

Gene: PLEC (plectin; minus strand). Cytogenetic location: 8q24.3.
Variant type: single nucleotide variant.
Coding change: c.13291T>C on transcript NM_201384.3 (MANE Select); coding-DNA position 13291, T replaced by C.
Protein change: p.Tyr4431His; replaces tyrosine 4431 with histidine.
Molecular consequence: missense variant.
Genome position (GRCh38, 1-based): chr8:143,916,530, A>G on the plus strand (T>C on the coding strand, the complement: PLEC is on the minus strand). VCF-style: chr8-143916530-A-G. GRCh37 (hg19) VCF-style: chr8-144990698-A-G.
Other names: c.13372T>C, p.Tyr4458His (NM_000445.5); c.9991T>C, p.Tyr3331His (NM_001410941.1); c.13249T>C, p.Tyr4417His (NM_201378.4); c.13225T>C, p.Tyr4409His (NM_201379.3); c.13702T>C, p.Tyr4568His (NM_201380.4); c.13195T>C, p.Tyr4399His (NM_201381.3); c.13291T>C, p.Tyr4431His (NM_201382.4); c.13303T>C, p.Tyr4435His (NM_201383.3); short protein forms Y3331H, Y4399H, Y4409H, Y4417H, Y4431H, Y4435H, Y4458H, Y4568H.
Identifiers: ClinVar variation 3388718 (VCV003388718.14).
Genomic context (GRCh38, chr8:143,916,530, plus strand): 5'-CCAGCGCGTCCTTATAGGAGATCTTGAGCTTGGTCTTAGGGCAGGTGAGGTACTTGGAGT[A>G]GGCGCCCACGTCACGCAGCTTCTGTGCGGTGCGGGCGTCCACCGTGCCGCGCTGCAGGGC-3'
Protein context (NP_958786.1, residues 4421-4441): TAQKLRDVGA[Tyr4431His]SKYLTCPKTK